The following is an entry in ClinVar:

NM_000051.4(ATM):c.1628C>T (p.Thr543Ile)

Gene: ATM (ATM serine/threonine kinase; plus strand). Cytogenetic location: 11q22.3.
Variant type: single nucleotide variant.
Coding change: c.1628C>T on transcript NM_000051.4 (MANE Select); coding-DNA position 1628, C replaced by T.
Protein change: p.Thr543Ile; replaces threonine 543 with isoleucine.
Molecular consequence: missense variant.
Genome position (GRCh38, 1-based): chr11:108,251,857, C>T. VCF-style: chr11-108251857-C-T. GRCh37 (hg19) VCF-style: chr11-108122584-C-T.
Other names: c.1628C>T, p.Thr543Ile (NM_001351834.2); short protein forms T543I.
Identifiers: ClinVar variation 233977 (VCV000233977.20), dbSNP rs772874616, ClinGen allele CA10579018.

ClinVar aggregate classification (germline): Uncertain significance. Review status: criteria provided, multiple submitters, no conflicts (2 of 4 stars). 4 submissions from 4 submitters: Uncertain significance (3). 1 of the submissions does not count toward it. Last evaluated 2025-08-07.

Conditions:
Hereditary cancer-predisposing syndrome. Also called: Tumor predisposition; Hereditary Cancer Syndrome; Hereditary neoplastic syndrome; Neoplastic Syndromes, Hereditary. Identifiers: Orphanet 140162, MedGen C0027672, MeSH D009386, MONDO:0015356.
Ataxia-telangiectasia syndrome (AT). Also called: Ataxia telangiectasia (A-T); LOUIS-BAR SYNDROME; Cerebello-oculocutaneous telangiectasia; Immunodeficiency with ataxia telangiectasia; ATAXIA-TELANGIECTASIA, COMPLEMENTATION GROUP A; ATAXIA-TELANGIECTASIA, FRESNO VARIANT. Identifiers: Orphanet 100, MedGen C0004135, MONDO:0008840, OMIM 208900.

gnomAD v4.1: 12 of 1,613,816 alleles (0.00074%); highest among the groups gnomAD compares: Non-Finnish European, 0.00085%; no homozygotes.

Submissions (4):

Labcorp Genetics (formerly Invitae), Labcorp
Classification: Uncertain significance for Ataxia-telangiectasia syndrome. Last evaluated: 2025-08-07. Review status: criteria provided, single submitter. Criteria: Invitae Variant Classification Sherloc (09022015). Collection method: clinical testing. Allele origin: germline.
Comment: This sequence change replaces threonine, which is neutral and polar, with isoleucine, which is neutral and non-polar, at codon 543 of the ATM protein (p.Thr543Ile). This variant is not present in population databases (gnomAD no frequency). This variant has not been reported in the literature in individuals affected with ATM-related conditions. ClinVar contains an entry for this variant (Variation ID: 233977). Invitae Evidence Modeling of protein sequence and biophysical properties (such as structural, functional, and spatial information, amino acid conservation, physicochemical variation, residue mobility, and thermodynamic stability) indicates that this missense variant is not expected to disrupt ATM protein function with a negative predictive value of 95%. In summary, the available evidence is currently insufficient to determine the role of this variant in disease. Therefore, it has been classified as a Variant of Uncertain Significance.

Ambry Genetics
Classification: Uncertain significance for Hereditary cancer-predisposing syndrome. Last evaluated: 2024-05-28. Review status: criteria provided, single submitter. Criteria: Ambry Variant Classification Scheme 2023. Collection method: clinical testing. Allele origin: germline.
Comment: The p.T543I variant (also known as c.1628C>T), located in coding exon 10 of the ATM gene, results from a C to T substitution at nucleotide position 1628. The threonine at codon 543 is replaced by isoleucine, an amino acid with similar properties. This amino acid position is not well conserved in available vertebrate species. In addition, this alteration is predicted to be tolerated by in silico analysis. Based on the available evidence, the clinical significance of this variant remains unclear.

Color Diagnostics, LLC DBA Color Health
Classification: Uncertain significance for Hereditary cancer-predisposing syndrome. Last evaluated: 2022-11-07. Review status: criteria provided, single submitter. Criteria: ACMG Guidelines, 2015. Collection method: clinical testing. Allele origin: germline.
Comment: This missense variant replaces threonine with isoleucine at codon 543 of the ATM protein. Computational prediction suggests that this variant may not impact protein structure and function (internally defined REVEL score threshold <= 0.5, PMID: 27666373). To our knowledge, functional studies have not been reported for this variant. This variant has not been reported in individuals affected with ATM-related disorders in the literature. This variant has not been identified in the general population by the Genome Aggregation Database (gnomAD). The available evidence is insufficient to determine the role of this variant in disease conclusively. Therefore, this variant is classified as a Variant of Uncertain Significance.

Natera, Inc.
Classification: Uncertain significance for Ataxia-telangiectasia. Last evaluated: 2021-04-15. Review status: no assertion criteria provided. Collection method: clinical testing. Allele origin: germline. Not counted in ClinVar's aggregate classification.